The following is an entry in ClinVar:

ClinVar aggregate classification (germline): Uncertain significance (1 of 4 stars; one submission).

Conditions:
RASopathy. Also called: Noonan spectrum disorder; rasopathies. Identifiers: Orphanet 536391, MedGen C5555857, MONDO:0021060.

Submission:

Labcorp Genetics (formerly Invitae), Labcorp
Classification: Uncertain significance for RASopathy. Last evaluated: 2021-04-18. Review status: criteria provided, single submitter. Criteria: Invitae Variant Classification Sherloc (09022015). Collection method: clinical testing. Allele origin: germline.
Comment: In summary, the available evidence is currently insufficient to determine the role of this variant in disease. Therefore, it has been classified as a Variant of Uncertain Significance. Algorithms developed to predict the effect of missense changes on protein structure and function are either unavailable or do not agree on the potential impact of this missense change (SIFT: "Deleterious"; PolyPhen-2: "Probably Damaging"; Align-GVGD: "Class C0"). This variant has not been reported in the literature in individuals with SHOC2-related conditions. This variant is not present in population databases (ExAC no frequency). This sequence change replaces leucine with phenylalanine at codon 543 of the SHOC2 protein (p.Leu543Phe). The leucine residue is highly conserved and there is a small physicochemical difference between leucine and phenylalanine.

NM_007373.4(SHOC2):c.1627C>T (p.Leu543Phe)

Gene: SHOC2 (SHOC2 leucine rich repeat scaffold protein; plus strand). Cytogenetic location: 10q25.2.
Variant type: single nucleotide variant.
Coding change: c.1627C>T on transcript NM_007373.4 (MANE Select); coding-DNA position 1627, C replaced by T.
Protein change: p.Leu543Phe; replaces leucine 543 with phenylalanine.
Molecular consequence: missense variant. On other transcripts: non-coding transcript variant (1).
Genome position (GRCh38, 1-based): chr10:111,011,696, C>T. VCF-style: chr10-111011696-C-T. GRCh37 (hg19) VCF-style: chr10-112771454-C-T.
Other names: c.1489C>T, p.Leu497Phe (NM_001269039.3); c.1627C>T, p.Leu543Phe (NM_001324336.2, NM_001324337.2); short protein forms L543F, L497F.
Identifiers: ClinVar variation 1346639 (VCV001346639.8), dbSNP rs1446237590, ClinGen allele CA378526266.